The following is an entry in ClinVar:

ClinVar aggregate classification (germline): Uncertain significance (1 of 4 stars; one submission).

Submission:

Athena Diagnostics
Classification: Uncertain significance. Last evaluated: 2024-05-15. Review status: criteria provided, single submitter. Criteria: Athena Diagnostics Criteria. Collection method: clinical testing. Allele origin: unknown.
Comment: Available data are insufficient to determine the clinical significance of the variant at this time. This variant has not been reported in large, multi-ethnic general populations. Computational tools yielded predictions that this variant is unlikely to have an effect on normal RNA splicing.

NM_001146262.4(SYT14):c.1467C>T (p.Cys489=)

Gene: SYT14 (synaptotagmin 14; plus strand). Cytogenetic location: 1q32.2.
Variant type: single nucleotide variant.
Coding change: c.1467C>T on transcript NM_001146262.4 (MANE Select); coding-DNA position 1467, C replaced by T.
Protein change: p.Cys489=; no amino-acid change (cysteine 489 retained).
Molecular consequence: synonymous variant. On other transcripts: non-coding transcript variant (1).
Genome position (GRCh38, 1-based): chr1:210,160,784, C>T. VCF-style: chr1-210160784-C-T. GRCh37 (hg19) VCF-style: chr1-210334129-C-T.
Other names: c.1602C>T, p.Cys534= (NM_001146261.4); c.1545C>T, p.Cys515= (NM_001146264.4); c.1296C>T, p.Cys432= (NM_001256006.3); c.2280C>T, p.Cys760= (NM_001397544.1, NM_001397545.1); c.1410C>T, p.Cys470= (NM_153262.5).
Identifiers: ClinVar variation 3571747 (VCV003571747.1).